The following is an entry in ClinVar:

NM_001385012.1(NBEA):c.6830G>A (p.Arg2277Gln)

Gene: NBEA (neurobeachin; plus strand). Cytogenetic location: 13q13.3.
Variant type: single nucleotide variant.
Coding change: c.6830G>A on transcript NM_001385012.1 (MANE Select); coding-DNA position 6830, G replaced by A.
Protein change: p.Arg2277Gln; replaces arginine 2277 with glutamine.
Molecular consequence: missense variant.
Genome position (GRCh38, 1-based): chr13:35,555,010, G>A. VCF-style: chr13-35555010-G-A. GRCh37 (hg19) VCF-style: chr13-36129147-G-A.
Other names: c.209G>A, p.Arg70Gln (NM_001204197.3); c.6821G>A, p.Arg2274Gln (NM_001379245.1); c.6830G>A, p.Arg2277Gln (NM_015678.5); short protein forms R2277Q, R2274Q, R70Q.
Identifiers: ClinVar variation 3178398 (VCV003178398.3), dbSNP rs758012879, ClinGen allele CA6947608.

ClinVar aggregate classification (germline): Uncertain significance. Review status: criteria provided, multiple submitters, no conflicts (2 of 4 stars). 2 submissions from 2 submitters: Uncertain significance (2). Last evaluated 2025-11-28.

Conditions:
Inborn genetic diseases. Identifiers: MedGen C0950123, MeSH D030342.
Complex neurodevelopmental disorder. Identifiers: Orphanet 528084, MedGen C5568766, MONDO:0100038.

Allele frequency attached by ClinVar (database versions not stated): TOPMed below 0.00001.
gnomAD v4.1: 8 of 1,610,444 alleles (0.0005%); highest among the groups gnomAD compares: East Asian, 0.0022%; no homozygotes.

Submissions (2):

Dasa
Classification: Uncertain significance for Complex neurodevelopmental disorder. Last evaluated: 2025-11-28. Review status: criteria provided, single submitter. Criteria: DASA Assertion Criteria. Collection method: clinical testing. Allele origin: germline.
Comment: NM_001385012.1(NBEA):c.6830G>A (p.Arg2277Gln) is a missense variant that results in the substitution of arginine with glutamine. This variant is rare in population databases. The currently available literature and clinical evidence are not sufficient to establish a definitive association between this variant and the reported condition. Therefore, this variant is classified as a variant of uncertain significance.

Ambry Genetics
Classification: Uncertain significance for Inborn genetic diseases. Last evaluated: 2021-02-22. Review status: criteria provided, single submitter. Criteria: Ambry Variant Classification Scheme 2023. Collection method: clinical testing. Allele origin: germline.
Comment: The c.6830G>A (p.R2277Q) alteration is located in exon 44 (coding exon 44) of the NBEA gene. This alteration results from a G to A substitution at nucleotide position 6830, causing the arginine (R) at amino acid position 2277 to be replaced by a glutamine (Q). The p.R2277Q alteration is predicted to be tolerated by in silico analysis. Based on insufficient or conflicting evidence, the clinical significance of this alteration remains unclear.